The following is an entry in ClinVar:

NM_172240.3(POC1B):c.124C>T (p.Leu42Phe)

Genes: POC1B (POC1 centriolar protein B; minus strand), POC1B-DUSP6 (POC1B-DUSP6 readthrough; minus strand). Cytogenetic location: 12q21.33.
Variant type: single nucleotide variant.
Coding change: c.124C>T on transcript NM_172240.3 (MANE Select); coding-DNA position 124, C replaced by T.
Protein change: p.Leu42Phe; replaces leucine 42 with phenylalanine.
Molecular consequence: missense variant. On other transcripts: 5 prime UTR variant (1).
Genome position (GRCh38, 1-based): chr12:89,497,319, G>A on the plus strand (C>T on the coding strand, the complement: POC1B is on the minus strand). VCF-style: chr12-89497319-G-A. GRCh37 (hg19) VCF-style: chr12-89891096-G-A.
Other names: c.-3C>T (NM_001199777.2); c.124C>T (NM_172240.2); short protein forms L42F.
Identifiers: ClinVar variation 1376939 (VCV001376939.5), dbSNP rs141996879, ClinGen allele CA6714602.

ClinVar aggregate classification (germline): Uncertain significance. Review status: criteria provided, multiple submitters, no conflicts (2 of 4 stars). 3 submissions from 3 submitters: Uncertain significance (3). Last evaluated 2025-02-27.

Conditions:
Inborn genetic diseases. Identifiers: MedGen C0950123, MeSH D030342.

Allele frequency attached by ClinVar (database versions not stated): gnomAD 0.00001; gnomAD exomes 0.00001 and 0.00002; ExAC 0.00002; TOPMed 0.00002; ESP Exome Variant Server 0.00015.
gnomAD v4.1: 24 of 1,612,344 alleles (0.0015%); highest among the groups gnomAD compares: Non-Finnish European, 0.002%; no homozygotes.

Submissions (3):

Ambry Genetics
Classification: Uncertain significance for Inborn genetic diseases. Last evaluated: 2025-02-27. Review status: criteria provided, single submitter. Criteria: Ambry Variant Classification Scheme 2023. Collection method: clinical testing. Allele origin: germline.

Labcorp Genetics (formerly Invitae), Labcorp
Classification: Uncertain significance. Last evaluated: 2022-03-04. Review status: criteria provided, single submitter. Criteria: Invitae Variant Classification Sherloc (09022015). Collection method: clinical testing. Allele origin: germline.
Comment: This sequence change replaces leucine, which is neutral and non-polar, with phenylalanine, which is neutral and non-polar, at codon 42 of the POC1B protein (p.Leu42Phe). This variant is present in population databases (rs141996879, gnomAD 0.002%). This variant has not been reported in the literature in individuals affected with POC1B-related conditions. Algorithms developed to predict the effect of missense changes on protein structure and function are either unavailable or do not agree on the potential impact of this missense change (SIFT: "Tolerated"; PolyPhen-2: "Probably Damaging"; Align-GVGD: "Class C0"). In summary, the available evidence is currently insufficient to determine the role of this variant in disease. Therefore, it has been classified as a Variant of Uncertain Significance.

Blueprint Genetics
Classification: Uncertain significance. Last evaluated: 2021-04-05. Review status: criteria provided, single submitter. Criteria: ACMG Guidelines, 2015. Collection method: clinical testing. Allele origin: germline.